The following is an entry in ClinVar:

NM_001687.5(ATP5F1D):c.496G>T (p.Ala166Ser)

Genes: ATP5F1D (ATP synthase F1 subunit delta; plus strand), LOC130062904 (ATAC-STARR-seq lymphoblastoid silent region 9674; plus strand). Cytogenetic location: 19p13.3.
Variant type: single nucleotide variant.
Coding change: c.496G>T on transcript NM_001687.5 (MANE Select); coding-DNA position 496, G replaced by T.
Protein change: p.Ala166Ser; replaces alanine 166 with serine.
Molecular consequence: missense variant.
Genome position (GRCh38, 1-based): chr19:1,244,426, G>T. VCF-style: chr19-1244426-G-T. GRCh37 (hg19) VCF-style: chr19-1244425-G-T.
Other names: c.496G>T (NM_001687.4); c.496G>T, p.Ala166Ser (NM_001001975.2); short protein forms A166S.
Identifiers: ClinVar variation 1682817 (VCV001682817.7), dbSNP rs373551178, ClinGen allele CA9040355.

ClinVar aggregate classification (germline): Uncertain significance. Review status: criteria provided, multiple submitters, no conflicts (2 of 4 stars). 2 submissions from 2 submitters: Uncertain significance (2). Last evaluated 2026-01-07.

Conditions:
Inborn genetic diseases. Identifiers: MedGen C0950123, MeSH D030342.

Allele frequency attached by ClinVar (database versions not stated): TOPMed 0.00003; gnomAD 0.00005 and 0.00006; ESP Exome Variant Server 0.00008.

Submissions (2):

Labcorp Genetics (formerly Invitae), Labcorp
Classification: Uncertain significance. Last evaluated: 2026-01-07. Review status: criteria provided, single submitter. Criteria: Invitae Variant Classification Sherloc (09022015). Collection method: clinical testing. Allele origin: germline.
Comment: This sequence change replaces alanine, which is neutral and non-polar, with serine, which is neutral and polar, at codon 166 of the ATP5D protein (p.Ala166Ser). This variant is present in population databases (rs373551178, gnomAD 0.01%). This variant has not been reported in the literature in individuals affected with ATP5D-related conditions. ClinVar contains an entry for this variant (Variation ID: 1682817). An algorithm developed to predict the effect of missense changes on protein structure and function (PolyPhen-2) suggests that this variant is likely to be disruptive. In summary, the available evidence is currently insufficient to determine the role of this variant in disease. Therefore, it has been classified as a Variant of Uncertain Significance.

Ambry Genetics
Classification: Uncertain significance for Inborn genetic diseases. Last evaluated: 2025-01-07. Review status: criteria provided, single submitter. Criteria: Ambry Variant Classification Scheme 2023. Collection method: clinical testing. Allele origin: germline.